The following is an entry in ClinVar:

ClinVar aggregate classification (germline): Uncertain significance (1 of 4 stars; one submission).

Conditions:
Emery-Dreifuss muscular dystrophy 4, autosomal dominant (EDMD4). Also called: EMERY-DREIFUSS MUSCULAR DYSTROPHY 4 WITH VARIABLE FEATURES. Identifiers: Orphanet 261, MedGen C2751807, MONDO:0013071, OMIM 612998.
Autosomal recessive ataxia, Beauce type. Also called: Spinocerebellar ataxia, autosomal recessive 8; ATAXIA, RECESSIVE, OF BEAUCE; SYNE1 Deficiency; SYNE1-Related Autosomal Recessive Cerebellar Ataxia. Identifiers: Orphanet 88644, MedGen C1853116, MONDO:0012549, OMIM 610743.

Allele frequency attached by ClinVar (database versions not stated): gnomAD exomes below 0.00001; ExAC 0.00002; TOPMed 0.00004; gnomAD 0.00005; ESP Exome Variant Server 0.00008; 1000 Genomes Project 30x 0.00016; 1000 Genomes Project 0.00020.
gnomAD v4.1: 9 of 1,614,118 alleles (0.00056%); highest among the groups gnomAD compares: African/African-American, 0.012%; no homozygotes.

Submission:

Labcorp Genetics (formerly Invitae), Labcorp
Classification: Uncertain significance for Emery-Dreifuss muscular dystrophy 4, autosomal dominant; Autosomal recessive ataxia, Beauce type. Last evaluated: 2021-12-02. Review status: criteria provided, single submitter. Criteria: Invitae Variant Classification Sherloc (09022015). Collection method: clinical testing. Allele origin: germline.
Comment: This sequence change replaces lysine, which is basic and polar, with arginine, which is basic and polar, at codon 5572 of the SYNE1 protein (p.Lys5572Arg). The frequency data for this variant in the population databases is considered unreliable, as metrics indicate poor data quality at this position in the gnomAD database. This variant has not been reported in the literature in individuals affected with SYNE1-related conditions. Algorithms developed to predict the effect of missense changes on protein structure and function (SIFT, PolyPhen-2, Align-GVGD) all suggest that this variant is likely to be tolerated. In summary, the available evidence is currently insufficient to determine the role of this variant in disease. Therefore, it has been classified as a Variant of Uncertain Significance.

NM_182961.4(SYNE1):c.16928A>G (p.Lys5643Arg)

Genes: SYNE1 (spectrin repeat containing nuclear envelope protein 1; minus strand), LOC126859837 (BRD4-independent group 4 enhancer GRCh37_chr6:152630775-152631974; plus strand). Cytogenetic location: 6q25.2.
Variant type: single nucleotide variant.
Coding change: c.16928A>G on transcript NM_182961.4 (MANE Select); coding-DNA position 16928, A replaced by G.
Protein change: p.Lys5643Arg; replaces lysine 5643 with arginine.
Molecular consequence: missense variant.
Genome position (GRCh38, 1-based): chr6:152,310,487, T>C on the plus strand (A>G on the coding strand, the complement: SYNE1 is on the minus strand). VCF-style: chr6-152310487-T-C. GRCh37 (hg19) VCF-style: chr6-152631622-T-C.
Other names: c.16715A>G, p.Lys5572Arg (NM_033071.5); short protein forms K5572R, K5643R.
Identifiers: ClinVar variation 1411626 (VCV001411626.3), dbSNP rs144714939, ClinGen allele CA4055391.